The following is an entry in ClinVar:

NM_001036.6(RYR3):c.7259C>T (p.Ala2420Val)

Gene: RYR3 (ryanodine receptor 3; plus strand). Cytogenetic location: 15q14.
Variant type: single nucleotide variant.
Coding change: c.7259C>T on transcript NM_001036.6 (MANE Select); coding-DNA position 7259, C replaced by T.
Protein change: p.Ala2420Val; replaces alanine 2420 with valine.
Molecular consequence: missense variant.
Genome position (GRCh38, 1-based): chr15:33,731,529, C>T. VCF-style: chr15-33731529-C-T. GRCh37 (hg19) VCF-style: chr15-34023730-C-T.
Other names: c.7259C>T (NM_001036.3); c.7259C>T, p.Ala2420Val (NM_001243996.4); short protein forms A2420V.
Identifiers: ClinVar variation 840883 (VCV000840883.10), dbSNP rs752463552, ClinGen allele CA7459834.

ClinVar aggregate classification (germline): Uncertain significance. Review status: criteria provided, multiple submitters, no conflicts (2 of 4 stars). 2 submissions from 2 submitters: Uncertain significance (2). Last evaluated 2025-02-06.

Conditions:
Epileptic encephalopathy. Identifiers: MedGen C0543888, HP:0200134.

Allele frequency attached by ClinVar (database versions not stated): gnomAD exomes below 0.00001; ExAC 0.00001; TOPMed 0.00002; gnomAD 0.00003.
gnomAD v4.1: 5 of 1,613,726 alleles (0.00031%); highest among the groups gnomAD compares: African/African-American, 0.0067%; no homozygotes.

Submissions (2):

Ambry Genetics
Classification: Uncertain significance. Last evaluated: 2025-02-06. Review status: criteria provided, single submitter. Criteria: Ambry Variant Classification Scheme 2023. Collection method: clinical testing. Allele origin: germline.

Labcorp Genetics (formerly Invitae), Labcorp
Classification: Uncertain significance for Epileptic encephalopathy. Last evaluated: 2022-07-12. Review status: criteria provided, single submitter. Criteria: Invitae Variant Classification Sherloc (09022015). Collection method: clinical testing. Allele origin: germline.
Comment: In summary, the available evidence is currently insufficient to determine the role of this variant in disease. Therefore, it has been classified as a Variant of Uncertain Significance. Algorithms developed to predict the effect of missense changes on protein structure and function are either unavailable or do not agree on the potential impact of this missense change (SIFT: "Deleterious"; PolyPhen-2: "Benign"; Align-GVGD: "Class C55"). ClinVar contains an entry for this variant (Variation ID: 840883). This variant has not been reported in the literature in individuals affected with RYR3-related conditions. This variant is present in population databases (rs752463552, gnomAD 0.008%). This sequence change replaces alanine, which is neutral and non-polar, with valine, which is neutral and non-polar, at codon 2420 of the RYR3 protein (p.Ala2420Val).